The following is an entry in ClinVar:

NM_147127.5(EVC2):c.2709del (p.Gln903fs)

Gene: EVC2 (EvC ciliary complex subunit 2; minus strand). Cytogenetic location: 4p16.2.
Variant type: Deletion.
Coding change: c.2709del on transcript NM_147127.5 (MANE Select); coding-DNA position 2709, one base deleted (A; older notation c.2709delA).
Protein change: p.Gln903fs; shifts the reading frame from glutamine 903.
Molecular consequence: frameshift variant.
Genome position (GRCh38, 1-based): chr4:5,615,542, T deleted on the plus strand (A on the coding strand, the reverse complement: EVC2 is on the minus strand); the first of 2 consecutive T bases (chr4:5,615,542-5,615,543); deleting either gives the same sequence. VCF-style (leftmost placement, unchanged base first): chr4-5615541-GT-G. GRCh37 (hg19) VCF-style: chr4-5617268-GT-G.
Other names: c.2469del, p.Gln823fs (NM_001166136.2); short protein forms Q823fs, Q903fs.
Identifiers: ClinVar variation 5012987 (VCV005012987.1).
Genomic context (GRCh38, chr4:5,615,541, plus strand): 5'-ACTTCTTCAGAAGCTCTCCCTTGCTTTTACTCTTGGACCGTGACTTTCTCACCTTGGACT[GT>G]TGCTGGAGAGGGGTTGGGGAAGACGTGGGTAAGAAGGCAATCACCAGCAAGTCCATGCAG-3'

ClinVar aggregate classification (germline): Pathogenic (1 of 4 stars; one submission).

Conditions:
Ellis-van Creveld syndrome (EVC). Also called: MESOECTODERMAL DYSPLASIA; Chondroectodermal dysplasia. Identifiers: Orphanet 289, MedGen C0013903, MONDO:0009162, OMIM 225500.

Submission:

Myriad Genetics, Inc.
Classification: Pathogenic for Ellis-van Creveld syndrome. Last evaluated: 2024-05-01. Review status: criteria provided, single submitter. Criteria: Myriad Autosomal Dominant, Autosomal Recessive and X-Linked Classification Criteria (2023). Collection method: clinical testing. Allele origin: unknown.
Comment: NM_147127.4(EVC2):c.2709delA(Q903Hfs*5) is expected to be pathogenic in the context of EVC2-related Ellis-van Creveld syndrome. This variant is predicted to lead to an abnormal or absent protein product due to the creation of a premature termination codon in EVC2, a gene where loss-of-function variants are known to be pathogenic. Please note: this variant was assessed in the context of healthy population screening.